The following is an entry in ClinVar:

NM_021830.5(TWNK):c.506A>T (p.Asp169Val)

Gene: TWNK (twinkle mtDNA helicase; plus strand). Cytogenetic location: 10q24.31.
Variant type: single nucleotide variant.
Coding change: c.506A>T on transcript NM_021830.5 (MANE Select); coding-DNA position 506, A replaced by T.
Protein change: p.Asp169Val; replaces aspartic acid 169 with valine.
Molecular consequence: missense variant. On other transcripts: non-coding transcript variant (4), intron variant (3).
Genome position (GRCh38, 1-based): chr10:100,988,716, A>T. VCF-style: chr10-100988716-A-T. GRCh37 (hg19) VCF-style: chr10-102748473-A-T.
Other names: p.Asp169Val; c.506A>T, p.Asp169Val (NM_001163812.2); c.-119-928A>T (NM_001163814.2, NM_001163813.2); c.-57-990A>T (NM_001368275.1); short protein forms D169V.
Identifiers: ClinVar variation 3355124 (VCV003355124.2).

ClinVar aggregate classification (germline): Uncertain significance. Review status: criteria provided, single submitter (1 of 4 stars). 2 submissions from 2 submitters: Uncertain significance (1). 1 of the submissions does not count toward it. Last evaluated 2025-05-27.

Conditions:
TWNK-related disorder. Also called: TWNK-related condition.

Submissions (2):

Mayo Clinic Laboratories, Mayo Clinic
Classification: Uncertain significance. Last evaluated: 2025-05-27. Review status: criteria provided, single submitter. Criteria: ACMG Guidelines, 2015. Collection method: clinical testing. Allele origin: germline. Observed: 1 variant allele.

PreventionGenetics, part of Exact Sciences
Classification: Uncertain significance for TWNK-related condition. Last evaluated: 2024-08-30. Review status: no assertion criteria provided. Collection method: clinical testing. Allele origin: germline. Not counted in ClinVar's aggregate classification.
Comment: The TWNK c.506A>T variant is predicted to result in the amino acid substitution p.Asp169Val. To our knowledge, this variant has not been reported in the literature or in a large population database, indicating this variant is rare. At this time, the clinical significance of this variant is uncertain due to the absence of conclusive functional and genetic evidence.